The following is an entry in ClinVar:

NM_001365951.3(KIF1B):c.297T>A (p.Thr99=)

Gene: KIF1B (kinesin family member 1B; plus strand). Cytogenetic location: 1p36.22.
Variant type: single nucleotide variant.
Coding change: c.297T>A on transcript NM_001365951.3 (MANE Select); coding-DNA position 297, T replaced by A.
Protein change: p.Thr99=; no amino-acid change (threonine 99 retained).
Molecular consequence: synonymous variant.
Genome position (GRCh38, 1-based): chr1:10,258,606, T>A. VCF-style: chr1-10258606-T-A. GRCh37 (hg19) VCF-style: chr1-10318664-T-A.
Other names: c.297T>A, p.Thr99= (NM_001365952.1, NM_001365953.1, NM_015074.3 and 1 more transcripts).
Identifiers: ClinVar variation 3864065 (VCV003864065.1).
Genomic context (GRCh38, chr1:10,258,606, plus strand): 5'-GGAAATGCTCTTACACGCCTTTGAGGGATATAATGTCTGTATTTTTGCCTATGGGCAGAC[T>A]GGTGCTGGAAAATCTTATACAATGATGGGTAAACAAGAAGAAAGCCAGGCTGGCATCATT-3'
Protein context (NP_001352880.1, residues 89-109): YNVCIFAYGQ[Thr99=]GAGKSYTMMG

ClinVar aggregate classification (germline): Uncertain significance (1 of 4 stars; one submission).

Submission:

Ambry Genetics
Classification: Uncertain significance. Last evaluated: 2025-01-25. Review status: criteria provided, single submitter. Criteria: Ambry Variant Classification Scheme 2023. Collection method: clinical testing. Allele origin: germline.
Comment: The c.297T>A variant (also known as p.T99T), located in coding exon 3 of the KIF1B gene, results from a T to A substitution at nucleotide position 297. This nucleotide substitution does not change the threonine at codon 99. This nucleotide position is poorly conserved in available vertebrate species. In silico splice site analysis for this alteration is inconclusive. The evidence for this gene-disease relationship is limited; therefore, the clinical significance of this alteration is unclear.